The following is an entry in ClinVar:

NM_001384732.1(CPLANE1):c.9431A>G (p.His3144Arg)

Gene: CPLANE1 (ciliogenesis and planar polarity effector complex subunit 1; minus strand). Cytogenetic location: 5p13.2.
Variant type: single nucleotide variant.
Coding change: c.9431A>G on transcript NM_001384732.1 (MANE Select); coding-DNA position 9431, A replaced by G.
Protein change: p.His3144Arg; replaces histidine 3144 with arginine.
Molecular consequence: missense variant.
Genome position (GRCh38, 1-based): chr5:37,108,441, T>C on the plus strand (A>G on the coding strand, the complement: CPLANE1 is on the minus strand). VCF-style: chr5-37108441-T-C. GRCh37 (hg19) VCF-style: chr5-37108543-T-C.
Other names: c.9269A>G, p.His3090Arg (NM_023073.4); c.9269A>G (NM_023073.3); short protein forms H3090R, H3144R.
Identifiers: ClinVar variation 1434176 (VCV001434176.7), dbSNP rs754053320, ClinGen allele CA3237445.

ClinVar aggregate classification (germline): Uncertain significance. Review status: criteria provided, multiple submitters, no conflicts (2 of 4 stars). 2 submissions from 2 submitters: Uncertain significance (2). Last evaluated 2024-03-20.

Conditions:
Joubert syndrome 17 (JBTS17). Identifiers: Orphanet 475, MedGen C3553264, MONDO:0013824, OMIM 614615.
Orofaciodigital syndrome type 6 (OFD6). Also called: OROFACIODIGITAL SYNDROME VI; OFDS VI; POLYDACTYLY, CLEFT LIP/PALATE OR LINGUAL LUMP, AND PSYCHOMOTOR RETARDATION; VARADI SYNDROME; VARADI-PAPP SYNDROME; Oral-facial-digital syndrome type 6. Identifiers: Orphanet 2754, MedGen C2745997, MONDO:0010176, OMIM 277170.

Allele frequency attached by ClinVar (database versions not stated): gnomAD exomes below 0.00001; TOPMed below 0.00001; ExAC 0.00001; gnomAD 0.00001.
gnomAD v4.1: 5 of 1,614,086 alleles (0.00031%); highest among the groups gnomAD compares: Non-Finnish European, 0.00034%; no homozygotes.

Submissions (2):

Fulgent Genetics
Classification: Uncertain significance for Orofaciodigital syndrome type 6; Joubert syndrome 17. Last evaluated: 2024-03-20. Review status: criteria provided, single submitter. Criteria: ACMG Guidelines, 2015. Collection method: clinical testing. Allele origin: germline.

Labcorp Genetics (formerly Invitae), Labcorp
Classification: Uncertain significance. Last evaluated: 2021-08-19. Review status: criteria provided, single submitter. Criteria: Invitae Variant Classification Sherloc (09022015). Collection method: clinical testing. Allele origin: germline.
Comment: In summary, the available evidence is currently insufficient to determine the role of this variant in disease. Therefore, it has been classified as a Variant of Uncertain Significance. Advanced modeling of protein sequence and biophysical properties (such as structural, functional, and spatial information, amino acid conservation, physicochemical variation, residue mobility, and thermodynamic stability) performed at Invitae indicates that this missense variant is not expected to disrupt CPLANE1 protein function. This variant has not been reported in the literature in individuals affected with CPLANE1-related conditions. This variant is present in population databases (rs754053320, ExAC 0.001%). This sequence change replaces histidine with arginine at codon 3090 of the CPLANE1 protein (p.His3090Arg). The histidine residue is weakly conserved and there is a small physicochemical difference between histidine and arginine.